The following is an entry in ClinVar:

ClinVar aggregate classification (germline): Uncertain significance (1 of 4 stars; one submission).

Conditions:
Inborn genetic diseases. Identifiers: MedGen C0950123, MeSH D030342.

Submission:

Ambry Genetics
Classification: Uncertain significance for Inborn genetic diseases. Last evaluated: 2026-06-18. Review status: criteria provided, single submitter. Criteria: Ambry Variant Classification Scheme 2023. Collection method: clinical testing. Allele origin: germline.
Comment: The p.I1329T variant (also known as c.3986T>C), located in coding exon 13 of the ASXL1 gene, results from a T to C substitution at nucleotide position 3986. The isoleucine at codon 1329 is replaced by threonine, an amino acid with similar properties. This amino acid position is conserved. In addition, this alteration is predicted to be tolerated by in silico analysis. Based on the available evidence, the clinical significance of this variant remains unclear.

NM_015338.6(ASXL1):c.3986T>C (p.Ile1329Thr)

Gene: ASXL1 (ASXL transcriptional regulator 1; plus strand). Cytogenetic location: 20q11.21.
Variant type: single nucleotide variant.
Coding change: c.3986T>C on transcript NM_015338.6 (MANE Select); coding-DNA position 3986, T replaced by C.
Protein change: p.Ile1329Thr; replaces isoleucine 1329 with threonine.
Molecular consequence: missense variant.
Genome position (GRCh38, 1-based): chr20:32,436,698, T>C. VCF-style: chr20-32436698-T-C. GRCh37 (hg19) VCF-style: chr20-31024501-T-C.
Other names: c.3803T>C, p.Ile1268Thr (NM_001363734.1); short protein forms I1268T, I1329T.
Identifiers: ClinVar variation 5029708 (VCV005029708.1).
Genomic context (GRCh38, chr20:32,436,698, plus strand): 5'-ATGTGGCTGCAACCCTTCAGCGCCCCAGGCCTGCGGACCCGATGCCTCTTCCTGCTGAGA[T>C]CCCTCCAGTTTTTCCCAGTGGGAAGTTGGGACCAAGCACAAACTCCATGTCTGGTGGGGT-3'
Protein context (NP_056153.2, residues 1319-1339): PADPMPLPAE[Ile1329Thr]PPVFPSGKLG